The following is an entry in ClinVar:

ClinVar aggregate classification (germline): Likely pathogenic (1 of 4 stars; one submission).

Conditions:
Developmental delay, impaired speech, and behavioral abnormalities. Identifiers: MedGen C5561957, MONDO:0859178, OMIM 619475.

Submission:

Variantyx, Inc.
Classification: Likely pathogenic for Developmental delay, impaired speech, and behavioral abnormalities. Last evaluated: 2026-01-01. Review status: criteria provided, single submitter. Criteria: Variantyx Assertion Criteria 2022. Collection method: clinical testing. Allele origin: germline. Inheritance: Autosomal dominant inheritance. Affected: yes.
Comment: This is a nonsense variant in the SPTBN1 gene (OMIM: 182790). Pathogenic variants in this gene have been associated with autosomal dominant developmental delay, impaired speech, and behavioral abnormalities. This variant introduces a premature termination codon in exon 14 out of 36 and is expected to result in loss of function, which is a known disease mechanism for SPTBN1 in this disorder (PMID: 33847457, 34211179) (PVS1). This variant is absent from control populations (PM2) and it has not been reported in individuals with SPTBN1-related disorders in the databases available for review. Based on the current evidence, this variant is classified as likely pathogenic for autosomal dominant developmental delay, impaired speech, and behavioral abnormalities.

Literature cited by the submitters: PubMed 33847457; PubMed 34211179.

NM_003128.3(SPTBN1):c.2434C>T (p.Gln812Ter)

Gene: SPTBN1 (spectrin beta, non-erythrocytic 1; plus strand). Cytogenetic location: 2p16.2.
Variant type: single nucleotide variant.
Coding change: c.2434C>T on transcript NM_003128.3 (MANE Select); coding-DNA position 2434, C replaced by T.
Protein change: p.Gln812Ter; replaces glutamine 812 with a stop codon.
Molecular consequence: nonsense.
Genome position (GRCh38, 1-based): chr2:54,629,568, C>T. VCF-style: chr2-54629568-C-T. GRCh37 (hg19) VCF-style: chr2-54856705-C-T.
Other names: c.2395C>T, p.Gln799Ter (NM_178313.3); short protein forms Q799*, Q812*.
Identifiers: ClinVar variation 4850807 (VCV004850807.1).